The following is an entry in ClinVar:

ClinVar aggregate classification (germline): Pathogenic/Likely pathogenic. Review status: criteria provided, multiple submitters, no conflicts (2 of 4 stars). 8 submissions from 8 submitters: Pathogenic (6); Likely pathogenic (1). 1 of the submissions does not count toward it. Last evaluated 2025-09-29.

Conditions:
Niemann-Pick disease, type B. Also called: Chronic Visceral ASMD (Niemann-Pick Disease Type B; NPD-B). Identifiers: Orphanet 77293, MedGen C0268243, MONDO:0011871, OMIM 607616. Disease mechanism: loss of function.
Niemann-Pick disease, type A. Also called: SPHINGOMYELIN LIPIDOSIS; SPHINGOMYELINASE DEFICIENCY; Infantile Neurovisceral ASMD (Niemann-Pick Disease Type A; NPD-A). Identifiers: Orphanet 77292, MedGen C0268242, MONDO:0009756, OMIM 257200. Disease mechanism: loss of function.
Sphingomyelin/cholesterol lipidosis. Also called: Niemann-Pick disease. Identifiers: MedGen C0028064, MONDO:0001982.

Allele frequency attached by ClinVar (database versions not stated): gnomAD exomes 0.00001; ExAC 0.00002.
gnomAD v4.1: 14 of 1,613,164 alleles (0.00087%); highest among the groups gnomAD compares: South Asian, 0.0022%; no homozygotes.

Submissions (8):

Natera, Inc.
Classification: Pathogenic for Niemann-Pick Disease, Types A/B. Last evaluated: 2025-09-29. Review status: criteria provided, single submitter. Criteria: Natera Variant Classification Schema (03/2026). Collection method: clinical testing. Allele origin: germline.
Comment: The c.748A>C variant in SMPD1 is a missense variant predicted to cause substitution of serine to arginine at amino acid 250. This variant is rare in the general population with a frequency below the threshold expected for the associated phenotype(s). This variant has been observed in one or more individuals affected with the associated recessive disease, as either homozygous or compound heterozygous with a second variant (PMID: 23430884, 12556236, 23356216, 15877209). Functional studies show that this variant may disrupt protein function (PMID: 16642440). Given the available evidence, this variant is classified as Pathogenic.

Baylor Genetics
Classification: Pathogenic for Niemann-Pick disease, type A. Last evaluated: 2024-02-13. Review status: criteria provided, single submitter. Criteria: ACMG Guidelines, 2015. Collection method: clinical testing. Allele origin: unknown.

Fulgent Genetics
Classification: Pathogenic for Niemann-Pick disease, type A; Niemann-Pick disease, type B. Last evaluated: 2021-07-22. Review status: criteria provided, single submitter. Criteria: ACMG Guidelines, 2015. Collection method: clinical testing. Allele origin: unknown.

Labcorp Genetics (formerly Invitae), Labcorp
Classification: Pathogenic for Niemann-Pick disease, type B; Niemann-Pick disease, type A. Last evaluated: 2020-05-03. Review status: criteria provided, single submitter. Criteria: Invitae Variant Classification Sherloc (09022015). Collection method: clinical testing. Allele origin: germline.
Comment: This sequence change replaces serine with arginine at codon 250 of the SMPD1 protein (p.Ser250Arg). The serine residue is moderately conserved and there is a moderate physicochemical difference between serine and arginine. This variant is present in population databases (rs750779804, ExAC 0.006%). This variant has been observed in individual(s) with Niemann-Pick disease (PMID: 12556236, 15877209, 16642440, 23430884). This variant is also known as g.1208A>C, c.742A>C (S248R) in the literature. ClinVar contains an entry for this variant (Variation ID: 371576). This variant has been reported to affect SMPD1 protein function (PMID: 16642440). For these reasons, this variant has been classified as Pathogenic.

Broad Center for Mendelian Genomics, Broad Institute of MIT and Harvard
Classification: Likely pathogenic for Sphingomyelin/cholesterol lipidosis. Last evaluated: 2020-01-22. Review status: criteria provided, single submitter. Criteria: ACMG Guidelines, 2015. Collection method: curation. Allele origin: germline. Inheritance: Autosomal recessive inheritance.
Comment: The p.Ser250Arg variant in SMPD1 (also known as p.Ser248Arg due to a difference in cDNA numbering) has been reported in at least 6 individuals with Niemann-Pick disease (PMID: 16642440, 15877209, 22818240, 14681755, 23430884, 23356216) and has been identified in 0.003% (1/30578) of South Asian chromosomes and 0.001% (1/112970) of European (non-Finnish) chromosomes by the Genome Aggregation Database (gnomAD; dbSNP rs750779804). Although this variant has been seen in the general population, its frequency is low enough to be consistent with a recessive carrier frequency. This variant has also been reported in ClinVar (VariationID: 371576) as likely pathogenic by Counsyl and as pathogenic by Integrated Genetics. In vitro functional studies provide some evidence that the p.Ser250Arg variant may impact protein function (PMID: 16642440). However, these types of assays may not accurately represent biological function. Computational prediction tools and conservation analyses do not provide strong support for or against an impact to the protein. The presence of this variant in 1 affected homozygote and in combination with reported pathogenic and likely pathogenic variants in individuals with Niemann-Pick disease increases the likelihood that the p.Ser250Arg variant is pathogenic (VariationID: 551367, 2994; PMID: 16642440, 15877209, 22818240, 14681755, 23430884). The phenotype of an individual compound heterozygous for this variant is highly specific for Niemann-Pick disease based on acid sphingomyselinase activity being <10% of normal, consistent with disease (PMID: 15877209, 22818240, 23356216). In summary, although additional studies are required to fully establish its clinical significance, this variant is likely pathogenic. ACMG/AMP Criteria applied: PM3_strong, PM2, PS3_moderate, PP4 (Richards 2015).

Women's Health and Genetics/Laboratory Corporation of America, LabCorp
Classification: Pathogenic. Last evaluated: 2018-02-09. Review status: criteria provided, single submitter. Criteria: LabCorp Variant Classification Summary - May 2015. Collection method: clinical testing. Allele origin: germline.
Comment: Variant summary: SMPD1 c.748A>C (p.Ser250Arg) results in a non-conservative amino acid change located in ApaH type Calcineurin-like phosphoesterase domain of the encoded protein sequence. Three of five in-silico tools predict a benign effect of the variant on protein function. The variant allele was found at a frequency of 8.2e-06 in 244428 control chromosomes in gnomAD. This frequency is not significantly higher than expected for a pathogenic variant in SMPD1 causing Niemann-Pick Disease (1.7e-05 vs 0.0022), allowing no conclusion about variant significance. c.748A>C has been reported in the literature in individuals affected with Niemann-Pick Disease Type A and B (Hollak_2012, Zhang_2013, Toth_2011, Diggelen_2005). These data indicate that the variant may be associated with disease. At least one publication reports experimental evidence evaluating an impact on protein function. The most pronounced variant effect results in <10% of normal activity (Hollak_2012). One clinical diagnostic laboratory has submitted clinical-significance assessments for this variant to ClinVar after 2014 without evidence for independent evaluation. One laboratory classified the variant as likely pathogenic. Based on the evidence outlined above, the variant was classified as pathogenic.

CENTOGENE GmbH and LLC - Guiding Precision Medicine
Classification: Pathogenic for Niemann-Pick disease, type A; Niemann-Pick disease, type B. Review status: criteria provided, single submitter. Criteria: ACMG Guidelines, 2015. Collection method: clinical testing. Allele origin: germline. Affected: yes.

Counsyl
Classification: Likely pathogenic for Niemann-Pick disease, type A. Last evaluated: 2016-10-24. Review status: no assertion criteria provided. Collection method: clinical testing. Allele origin: unknown. Not counted in ClinVar's aggregate classification.

Literature cited by the submitters: PubMed 23430884 (cited by 5 submitters); PubMed 12556236 (cited by 3 submitters); PubMed 23356216 (cited by 4 submitters); PubMed 15877209 (cited by 4 submitters); PubMed 16642440 (cited by 4 submitters); PubMed 14681755 (cited by Broad Center for Mendelian Genomics, Broad Institute of MIT and Harvard); PubMed 16151905 (cited by 3 submitters); PubMed 22818240 (cited by Broad Center for Mendelian Genomics, Broad Institute of MIT and Harvard and Women's Health and Genetics/Laboratory Corporation of America, LabCorp).

NM_000543.5(SMPD1):c.748A>C (p.Ser250Arg)

Gene: SMPD1 (sphingomyelin phosphodiesterase 1; plus strand). Cytogenetic location: 11p15.4.
Variant type: single nucleotide variant.
Coding change: c.748A>C on transcript NM_000543.5 (MANE Select); coding-DNA position 748, A replaced by C.
Protein change: p.Ser250Arg; replaces serine 250 with arginine.
Molecular consequence: missense variant. On other transcripts: 5 prime UTR variant (1), non-coding transcript variant (1).
Genome position (GRCh38, 1-based): chr11:6,391,813, A>C. VCF-style: chr11-6391813-A-C. GRCh37 (hg19) VCF-style: chr11-6413043-A-C.
Other names: c.745A>C, p.Ser249Arg (NM_001007593.3); c.748A>C, p.Ser250Arg (NM_001318087.2, NM_001365135.2); c.-214A>C (NM_001318088.2); short protein forms S250R, S249R.
Identifiers: ClinVar variation 371576 (VCV000371576.24), dbSNP rs750779804, ClinGen allele CA5852678.